The following is an entry in ClinVar:

ClinVar aggregate classification (germline): Uncertain significance (1 of 4 stars; one submission).

Allele frequency attached by ClinVar (database versions not stated): gnomAD exomes below 0.00001.
gnomAD v4.1: 2 of 1,578,958 alleles (0.00013%); highest among the groups gnomAD compares: Admixed American, 0.0035%; no homozygotes.

Submission:

Labcorp Genetics (formerly Invitae), Labcorp
Classification: Uncertain significance. Last evaluated: 2022-03-28. Review status: criteria provided, single submitter. Criteria: Invitae Variant Classification Sherloc (09022015). Collection method: clinical testing. Allele origin: germline.
Comment: In summary, the available evidence is currently insufficient to determine the role of this variant in disease. Therefore, it has been classified as a Variant of Uncertain Significance. Algorithms developed to predict the effect of missense changes on protein structure and function are either unavailable or do not agree on the potential impact of this missense change (SIFT: "Deleterious"; PolyPhen-2: "Possibly Damaging"; Align-GVGD: "Class C0"). This variant has not been reported in the literature in individuals affected with IFT74-related conditions. This variant is not present in population databases (gnomAD no frequency). This sequence change replaces glutamic acid, which is acidic and polar, with glutamine, which is neutral and polar, at codon 504 of the IFT74 protein (p.Glu504Gln).

NM_025103.4(IFT74):c.1510G>C (p.Glu504Gln)

Gene: IFT74 (intraflagellar transport 74; plus strand). Cytogenetic location: 9p21.2.
Variant type: single nucleotide variant.
Coding change: c.1510G>C on transcript NM_025103.4 (MANE Select); coding-DNA position 1510, G replaced by C.
Protein change: p.Glu504Gln; replaces glutamic acid 504 with glutamine.
Molecular consequence: missense variant.
Genome position (GRCh38, 1-based): chr9:27,056,346, G>C. VCF-style: chr9-27056346-G-C. GRCh37 (hg19) VCF-style: chr9-27056344-G-C.
Other names: c.1510G>C, p.Glu504Gln (NM_001099222.3, NM_001099223.3, NM_001349928.2); short protein forms E504Q.
Identifiers: ClinVar variation 2118839 (VCV002118839.2), dbSNP rs2489725173, ClinGen allele CA373128583.